The following is an entry in ClinVar:

ClinVar aggregate classification (germline): Uncertain significance. Review status: criteria provided, single submitter (1 of 4 stars). 2 submissions from 2 submitters: Uncertain significance (1). 1 of the submissions does not count toward it. Last evaluated 2021-09-01.

Conditions:
TH-deficient dopa-responsive dystonia. Also called: Tyrosine Hydroxylase-Deficient Dopa-Responsive Dystonia; DYT-TH; Segawa syndrome, autosomal recessive. Identifiers: Orphanet 101150, MedGen C2673535, MONDO:0011551, OMIM 605407.

Allele frequency attached by ClinVar (database versions not stated): TOPMed 0.00001.
gnomAD v4.1: 58 of 1,588,584 alleles (0.0037%); highest among the groups gnomAD compares: Non-Finnish European, 0.0048%; no homozygotes.

Submissions (2):

Labcorp Genetics (formerly Invitae), Labcorp
Classification: Uncertain significance for TH-deficient dopa-responsive dystonia. Last evaluated: 2021-09-01. Review status: criteria provided, single submitter. Criteria: Invitae Variant Classification Sherloc (09022015). Collection method: clinical testing. Allele origin: germline.
Comment: This sequence change replaces alanine with serine at codon 275 of the TH protein (p.Ala275Ser). The alanine residue is moderately conserved and there is a moderate physicochemical difference between alanine and serine. This variant is not present in population databases (ExAC no frequency). This variant has not been reported in the literature in individuals affected with TH-related conditions. Algorithms developed to predict the effect of missense changes on protein structure and function (SIFT, PolyPhen-2, Align-GVGD) all suggest that this variant is likely to be tolerated. In summary, the available evidence is currently insufficient to determine the role of this variant in disease. Therefore, it has been classified as a Variant of Uncertain Significance.

Natera, Inc.
Classification: Uncertain significance for Autosomal recessive Segawa syndrome. Last evaluated: 2020-10-24. Review status: no assertion criteria provided. Collection method: clinical testing. Allele origin: germline. Not counted in ClinVar's aggregate classification.

NM_000360.4(TH):c.730G>T (p.Ala244Ser)

Gene: TH (tyrosine hydroxylase; minus strand). Cytogenetic location: 11p15.5.
Variant type: single nucleotide variant.
Coding change: c.730G>T on transcript NM_000360.4 (MANE Select); coding-DNA position 730, G replaced by T.
Protein change: p.Ala244Ser; replaces alanine 244 with serine.
Molecular consequence: missense variant.
Genome position (GRCh38, 1-based): chr11:2,166,998, C>A on the plus strand (G>T on the coding strand, the complement: TH is on the minus strand). VCF-style: chr11-2166998-C-A. GRCh37 (hg19) VCF-style: chr11-2188228-C-A.
Other names: c.823G>T, p.Ala275Ser (NM_199292.3); c.811G>T, p.Ala271Ser (NM_199293.3); short protein forms A244S, A275S, A271S.
Identifiers: ClinVar variation 946445 (VCV000946445.7), dbSNP rs759968927, ClinGen allele CA379127009.
Genomic context (GRCh38, chr11:2,166,998, plus strand): 5'-AGCCGCTGAAGCGCTCCAGCAAAGCAAAGGCCTCCAGGTGCTCCCCGCAGGCGTGCGTGG[C>A]GTAGAGGCCCTTCAGCGTGGTGTAGACCTCCTTCCTGCGGGCAGCCAGGCTCAGGGCCCT-3'
Protein context (NP_000351.2, residues 234-254): EVYTTLKGLY[Ala244Ser]THACGEHLEA